The following is an entry in ClinVar:

NM_032892.5(FRMD5):c.1064T>C (p.Ile355Thr)

Gene: FRMD5 (FERM domain containing 5; minus strand). Cytogenetic location: 15q15.3.
Variant type: single nucleotide variant.
Coding change: c.1064T>C on transcript NM_032892.5 (MANE Select); coding-DNA position 1064, T replaced by C.
Protein change: p.Ile355Thr; replaces isoleucine 355 with threonine.
Molecular consequence: missense variant. On other transcripts: non-coding transcript variant (1).
Genome position (GRCh38, 1-based): chr15:43,883,774, A>G on the plus strand (T>C on the coding strand, the complement: FRMD5 is on the minus strand). VCF-style: chr15-43883774-A-G. GRCh37 (hg19) VCF-style: chr15-44175972-A-G.
Other names: p.(Ile355Thr); c.782T>C, p.Ile261Thr (NM_001286490.2); c.362T>C, p.Ile121Thr (NM_001286491.2); c.1064T>C, p.Ile355Thr (NM_001322949.2, NM_001322950.2, NM_001411124.1); c.959T>C, p.Ile320Thr (NM_001322951.2); short protein forms I320T, I355T, I121T, I261T.
Identifiers: ClinVar variation 3372027 (VCV003372027.1).

ClinVar aggregate classification (germline): Uncertain significance (1 of 4 stars; one submission).

Submission:

GeneDx
Classification: Uncertain significance. Last evaluated: 2024-04-03. Review status: criteria provided, single submitter. Criteria: GeneDx Variant Classification Process June 2021. Collection method: clinical testing. Allele origin: germline. Affected: yes.
Comment: Not observed at significant frequency in large population cohorts (gnomAD); In silico analysis supports that this missense variant does not alter protein structure/function; Has not been previously published as pathogenic or benign to our knowledge; Variants in candidate genes are classified as variants of uncertain significance in accordance with ACMG guidelines (PMID: 25741868)